The following is an entry in ClinVar:

NM_000152.5(GAA):c.1551+4A>C

Gene: GAA (alpha glucosidase; plus strand). Cytogenetic location: 17q25.3.
Variant type: single nucleotide variant.
Coding change: c.1551+4A>C on transcript NM_000152.5 (MANE Select); 4 bases into the intron after coding-DNA position 1551, A replaced by C.
Molecular consequence: intron variant.
Genome position (GRCh38, 1-based): chr17:80,110,844, A>C. VCF-style: chr17-80110844-A-C. GRCh37 (hg19) VCF-style: chr17-78084643-A-C.
Other names: c.1551+4A>C (NM_001079803.3, NM_001079804.3).
Identifiers: ClinVar variation 2010460 (VCV002010460.4), dbSNP rs1217212080, ClinGen allele CA2580095757.

ClinVar aggregate classification (germline): Uncertain significance (1 of 4 stars; one submission).

Conditions:
Glycogen storage disease, type II (IOPD). Also called: Glucosidase acid-1,4-alpha deficiency; Glycogen storage disease type 2; Acid maltase deficiency disease; Aglucosidase alfa; Deficiency of alpha-glucosidase; Deficiency of lysosomal alpha-glucosidase. Identifiers: Orphanet 365, MedGen C0017921, MONDO:0009290, OMIM 232300.

Submission:

Labcorp Genetics (formerly Invitae), Labcorp
Classification: Uncertain significance for Glycogen storage disease, type II. Last evaluated: 2022-06-25. Review status: criteria provided, single submitter. Criteria: Invitae Variant Classification Sherloc (09022015). Collection method: clinical testing. Allele origin: germline.
Comment: In summary, the available evidence is currently insufficient to determine the role of this variant in disease. Therefore, it has been classified as a Variant of Uncertain Significance. Variants that disrupt the consensus splice site are a relatively common cause of aberrant splicing (PMID: 17576681, 9536098). Algorithms developed to predict the effect of sequence changes on RNA splicing suggest that this variant may disrupt the consensus splice site. This variant has not been reported in the literature in individuals affected with GAA-related conditions. This variant is not present in population databases (gnomAD no frequency). This sequence change falls in intron 10 of the GAA gene. It does not directly change the encoded amino acid sequence of the GAA protein. It affects a nucleotide within the consensus splice site.

Literature cited by the submitters: PubMed 17576681; PubMed 9536098.